The following is an entry in ClinVar:

ClinVar aggregate classification (germline): Uncertain significance (1 of 4 stars; one submission).

Submission:

Labcorp Genetics (formerly Invitae), Labcorp
Classification: Uncertain significance. Last evaluated: 2022-09-01. Review status: criteria provided, single submitter. Criteria: Invitae Variant Classification Sherloc (09022015). Collection method: clinical testing. Allele origin: germline.
Comment: In summary, the available evidence is currently insufficient to determine the role of this variant in disease. Therefore, it has been classified as a Variant of Uncertain Significance. Algorithms developed to predict the effect of missense changes on protein structure and function are either unavailable or do not agree on the potential impact of this missense change (SIFT: "Deleterious"; PolyPhen-2: "Possibly Damaging"; Align-GVGD: "Class C0"). This variant has not been reported in the literature in individuals affected with KIAA0556-related conditions. This variant is not present in population databases (gnomAD no frequency). This sequence change replaces isoleucine, which is neutral and non-polar, with phenylalanine, which is neutral and non-polar, at codon 1277 of the KIAA0556 protein (p.Ile1277Phe).

NM_015202.5(KATNIP):c.3829A>T (p.Ile1277Phe)

Gene: KATNIP (katanin interacting protein; plus strand). Cytogenetic location: 16p12.1.
Variant type: single nucleotide variant.
Coding change: c.3829A>T on transcript NM_015202.5 (MANE Select); coding-DNA position 3829, A replaced by T.
Protein change: p.Ile1277Phe; replaces isoleucine 1277 with phenylalanine.
Molecular consequence: missense variant.
Genome position (GRCh38, 1-based): chr16:27,766,328, A>T. VCF-style: chr16-27766328-A-T. GRCh37 (hg19) VCF-style: chr16-27777649-A-T.
Other names: short protein forms I1277F.
Identifiers: ClinVar variation 2028435 (VCV002028435.4), dbSNP rs374150008, ClinGen allele CA395329814.
Genomic context (GRCh38, chr16:27,766,328, plus strand): 5'-CACTGAGCCGCCCCCCTGCCGCTCCGTCCCCATTGCTGCAGGTTAATTGATGGCACCAAC[A>T]TCACCATGGAGGATGAGCATATGTGGCTGATCCCCTTCTCGCCGGGGCTGGACCATGTGG-3'
Protein context (NP_056017.4, residues 1267-1287): ALDKLIDGTN[Ile1277Phe]TMEDEHMWLI